The following is an entry in ClinVar:

NM_001351132.2(PEX5):c.148-10T>C

Gene: PEX5 (peroxisomal biogenesis factor 5; plus strand). Cytogenetic location: 12p13.31.
Variant type: single nucleotide variant.
Coding change: c.148-10T>C on transcript NM_001351132.2 (MANE Select); 10 bases into the intron before coding-DNA position 148, T replaced by C.
Molecular consequence: intron variant.
Genome position (GRCh38, 1-based): chr12:7,190,878, T>C. VCF-style: chr12-7190878-T-C. GRCh37 (hg19) VCF-style: chr12-7343474-T-C.
Other names: c.148-10T>C (NM_001351124.3, NM_001131026.2, NM_001351131.2 and 20 more transcripts); c.193-10T>C (NM_001351135.3, NM_001131023.2, NM_001351138.2).
Identifiers: ClinVar variation 1132913 (VCV001132913.10), dbSNP rs2135889432, ClinGen allele CA2499221845.

ClinVar aggregate classification (germline): Likely benign. Review status: criteria provided, single submitter (1 of 4 stars). 2 submissions from 2 submitters: Likely benign (1). 1 of the submissions does not count toward it. Last evaluated 2024-12-09.

Conditions:
Peroxisome biogenesis disorder 2B (PBD2B). Identifiers: Orphanet 44, MedGen C3550234, MONDO:0008736, OMIM 202370.
PEX5-related disorder. Also called: PEX5-Related Disorders; PEX5-related condition.

Allele frequency attached by ClinVar (database versions not stated): gnomAD exomes below 0.00001.
gnomAD v4.1: 1 of 1,612,804 alleles (0.000062%); highest among the groups gnomAD compares: South Asian, 0.0011%; no homozygotes.

Submissions (2):

Labcorp Genetics (formerly Invitae), Labcorp
Classification: Likely benign for Peroxisome biogenesis disorder 2B. Last evaluated: 2024-12-09. Review status: criteria provided, single submitter. Criteria: Invitae Variant Classification Sherloc (09022015). Collection method: clinical testing. Allele origin: germline.

PreventionGenetics, part of Exact Sciences
Classification: Likely benign for PEX5-related condition. Last evaluated: 2024-03-11. Review status: no assertion criteria provided. Collection method: clinical testing. Allele origin: germline. Not counted in ClinVar's aggregate classification.
Comment: This variant is classified as likely benign based on ACMG/AMP sequence variant interpretation guidelines (Richards et al. 2015 PMID: 25741868, with internal and published modifications).